The following is an entry in ClinVar:

NM_000171.4(GLRA1):c.1016A>G (p.His339Arg)

Gene: GLRA1 (glycine receptor alpha 1; minus strand). Cytogenetic location: 5q33.1.
Variant type: single nucleotide variant.
Coding change: c.1016A>G on transcript NM_000171.4 (MANE Select); coding-DNA position 1016, A replaced by G.
Protein change: p.His339Arg; replaces histidine 339 with arginine.
Molecular consequence: missense variant.
Genome position (GRCh38, 1-based): chr5:151,828,964, T>C on the plus strand (A>G on the coding strand, the complement: GLRA1 is on the minus strand). VCF-style: chr5-151828964-T-C. GRCh37 (hg19) VCF-style: chr5-151208525-T-C.
Other names: c.1016A>G, p.His339Arg (NM_001146040.2); c.767A>G, p.His256Arg (NM_001292000.2); short protein forms H339R, H256R.
Identifiers: ClinVar variation 2720613 (VCV002720613.3), dbSNP rs780066478, ClinGen allele CA3523557.

ClinVar aggregate classification (germline): Uncertain significance (1 of 4 stars; one submission).

Conditions:
Hereditary hyperekplexia. Identifiers: Orphanet 3197, MedGen C4084968, MONDO:0021022.

Allele frequency attached by ClinVar (database versions not stated): TOPMed below 0.00001; ExAC 0.00001; gnomAD exomes 0.00001.

Submission:

Labcorp Genetics (formerly Invitae), Labcorp
Classification: Uncertain significance for Hereditary hyperekplexia. Last evaluated: 2023-11-10. Review status: criteria provided, single submitter. Criteria: Invitae Variant Classification Sherloc (09022015). Collection method: clinical testing. Allele origin: germline.
Comment: This sequence change replaces histidine, which is basic and polar, with arginine, which is basic and polar, at codon 339 of the GLRA1 protein (p.His339Arg). This variant is present in population databases (rs780066478, gnomAD 0.01%). This variant has not been reported in the literature in individuals affected with GLRA1-related conditions. Advanced modeling of protein sequence and biophysical properties (such as structural, functional, and spatial information, amino acid conservation, physicochemical variation, residue mobility, and thermodynamic stability) performed at Invitae indicates that this missense variant is not expected to disrupt GLRA1 protein function with a negative predictive value of 95%. In summary, the available evidence is currently insufficient to determine the role of this variant in disease. Therefore, it has been classified as a Variant of Uncertain Significance.